The following is an entry in ClinVar:

NM_014484.5(MOCS3):c.697G>A (p.Ala233Thr)

Gene: MOCS3 (molybdenum cofactor synthesis 3; plus strand). Cytogenetic location: 20q13.13.
Variant type: single nucleotide variant.
Coding change: c.697G>A on transcript NM_014484.5 (MANE Select); coding-DNA position 697, G replaced by A.
Protein change: p.Ala233Thr; replaces alanine 233 with threonine.
Molecular consequence: missense variant.
Genome position (GRCh38, 1-based): chr20:50,959,539, G>A. VCF-style: chr20-50959539-G-A. GRCh37 (hg19) VCF-style: chr20-49576076-G-A.
Other names: short protein forms A233T.
Identifiers: ClinVar variation 1384722 (VCV001384722.6), dbSNP rs1987033486, ClinGen allele CA408984059.

ClinVar aggregate classification (germline): Uncertain significance (1 of 4 stars; one submission).

Allele frequency attached by ClinVar (database versions not stated): gnomAD exomes below 0.00001; TOPMed below 0.00001; gnomAD 0.00001.

Submission:

Labcorp Genetics (formerly Invitae), Labcorp
Classification: Uncertain significance. Last evaluated: 2021-10-05. Review status: criteria provided, single submitter. Criteria: Invitae Variant Classification Sherloc (09022015). Collection method: clinical testing. Allele origin: germline.
Comment: In summary, the available evidence is currently insufficient to determine the role of this variant in disease. Therefore, it has been classified as a Variant of Uncertain Significance. Algorithms developed to predict the effect of missense changes on protein structure and function are either unavailable or do not agree on the potential impact of this missense change (SIFT: "Deleterious"; PolyPhen-2: "Benign"; Align-GVGD: "Class C0"). This variant has not been reported in the literature in individuals affected with MOCS3-related conditions. This variant is not present in population databases (ExAC no frequency). This sequence change replaces alanine with threonine at codon 233 of the MOCS3 protein (p.Ala233Thr). The alanine residue is weakly conserved and there is a small physicochemical difference between alanine and threonine.